The following is an entry in ClinVar:

ClinVar aggregate classification (germline): Uncertain significance (1 of 4 stars; one submission).

gnomAD v4.1: 9 of 1,613,302 alleles (0.00056%); highest among the groups gnomAD compares: Admixed American, 0.0017%; no homozygotes.

Submission:

GeneDx
Classification: Uncertain significance. Last evaluated: 2024-12-03. Review status: criteria provided, single submitter. Criteria: GeneDx Variant Classification Process June 2021. Collection method: clinical testing. Allele origin: germline.
Comment: Canonical splice site variant predicted to result in an in-frame loss of the adjacent exon in a gene for which loss of function is a known mechanism of disease; Has not been previously published as pathogenic or benign to our knowledge

NM_001100427.2(RAP1GDS1):c.1039+1G>A

Gene: RAP1GDS1 (Rap1 GTPase-GDP dissociation stimulator 1; plus strand). Cytogenetic location: 4q23.
Variant type: single nucleotide variant.
Coding change: c.1039+1G>A on transcript NM_001100427.2 (MANE Select); the canonical splice donor site of the intron after coding-DNA position 1039, G replaced by A.
Molecular consequence: splice donor variant.
Genome position (GRCh38, 1-based): chr4:98,417,499, G>A. VCF-style: chr4-98417499-G-A. GRCh37 (hg19) VCF-style: chr4-99338650-G-A.
Other names: c.1042+1G>A (NM_001100426.2, NM_021159.5); c.895+1G>A (NM_001100428.2); c.766+1G>A (NM_001100430.2); c.892+1G>A (NM_001100429.2).
Identifiers: ClinVar variation 3368464 (VCV003368464.2).
Genomic context (GRCh38, chr4:98,417,499, plus strand): 5'-CAAATAACCACCAGCTACAGCTTGCTGGAGCATTGGCAATTGCAAATTTTGCCAGAAATG[G>A]TAAGCATATTAGTTCCTCCTTTGTTAGTCAAATACTCTATATTTGTTTATTTTTGCTTTG-3'